The following is an entry in ClinVar:

NC_000014.8:g.(?_88429708)_(88459508_?)dup

Gene: GALC (galactosylceramidase; minus strand). Cytogenetic location: 14q31.3.
Variant type: Duplication.
Identifiers: ClinVar variation 3243948 (VCV003243948.1).

ClinVar aggregate classification (germline): Uncertain significance (1 of 4 stars; one submission).

Conditions:
Galactosylceramide beta-galactosidase deficiency. Also called: GALACTOCEREBROSIDASE DEFICIENCY; GALC DEFICIENCY; GLOBOID CELL LEUKOENCEPHALOPATHY; Leukodystrophy, Globoid Cell; Krabbe Disease. Identifiers: Orphanet 487, MedGen C0023521, MONDO:0009499, OMIM 245200.

Submission:

Labcorp Genetics (formerly Invitae), Labcorp
Classification: Uncertain significance for Galactosylceramide beta-galactosidase deficiency. Last evaluated: 2022-10-05. Review status: criteria provided, single submitter. Criteria: Invitae Variant Classification Sherloc (09022015). Collection method: clinical testing. Allele origin: unknown.
Comment: In summary, the available evidence is currently insufficient to determine the role of this variant in disease. Therefore, it has been classified as a Variant of Uncertain Significance. This variant has not been reported in the literature in individuals affected with GALC-related conditions. This variant results in a copy number gain of the genomic region encompassing exon(s) 1-10 of the GALC gene. This region includes the initiator codon of the gene. This copy number gain extends beyond the assayed region for this gene and therefore may encompass additional genes. As the precise location of this event is unknown, it may be in tandem or it may be located elsewhere in the genome.